The following is an entry in ClinVar:

NC_000004.11:g.(?_122765575)_(122770074_?)del

Gene: BBS7 (Bardet-Biedl syndrome 7; minus strand). Cytogenetic location: 4q27.
Variant type: Deletion.
Identifiers: ClinVar variation 3246654 (VCV003246654.1).

ClinVar aggregate classification (germline): Pathogenic (1 of 4 stars; one submission).

Conditions:
Bardet-Biedl syndrome (BBS). Identifiers: Orphanet 110, MedGen C0752166, MONDO:0015229.

Submission:

Labcorp Genetics (formerly Invitae), Labcorp
Classification: Pathogenic for Bardet-Biedl syndrome. Last evaluated: 2023-10-31. Review status: criteria provided, single submitter. Criteria: Invitae Variant Classification Sherloc (09022015). Collection method: clinical testing. Allele origin: unknown.
Comment: This variant results in the deletion of exons 10-11 and part of exon 9 (c.859_1231-419del) of the BBS7 gene. It is expected to disrupt RNA splicing. Variants that disrupt the donor or acceptor splice site typically lead to a loss of protein function (PMID: 16199547), and loss-of-function variants in BBS7 are known to be pathogenic (PMID: 12567324, 19402160, 21209035, 31196119). This variant has not been reported in the literature in individuals affected with BBS7-related conditions. This variant disrupts a region of the BBS7 protein in which other variant(s) (p.Gln293Pro) have been determined to be pathogenic (PMID: 21052717, 27486776). This suggests that this is a clinically significant region of the protein, and that variants that disrupt it are likely to be disease-causing. For these reasons, this variant has been classified as Pathogenic.

Literature cited by the submitters: PubMed 16199547; PubMed 12567324; PubMed 19402160; PubMed 21209035; PubMed 31196119; PubMed 21052717; PubMed 27486776.